The following continues an entry in ClinVar:

NM_033380.3(COL4A5):c.3513A>G (p.Gln1171=)

Gene: COL4A5. ClinVar aggregate classification (germline): Benign. Benign (10).

Submissions 33 to 42 of 42:

Dr. Peter K. Rogan Lab, Western University
No classification provided (evidence only). Condition: Thymoma. Review status: no classification provided. Collection method: in vitro. Allele origin: not applicable. Functional consequence: retained intron. Not counted in ClinVar's aggregate classification.

Dr. Peter K. Rogan Lab, Western University
No classification provided (evidence only). Condition: Ovarian serous cystadenocarcinoma. Review status: no classification provided. Collection method: in vitro. Allele origin: not applicable. Functional consequence: retained intron. Not counted in ClinVar's aggregate classification.

Dr. Peter K. Rogan Lab, Western University
No classification provided (evidence only). Condition: Ovarian serous cystadenocarcinoma. Review status: no classification provided. Collection method: in vitro. Allele origin: not applicable. Functional consequence: retained intron. Not counted in ClinVar's aggregate classification.

Dr. Peter K. Rogan Lab, Western University
No classification provided (evidence only). Condition: Uterine carcinosarcoma. Review status: no classification provided. Collection method: in vitro. Allele origin: not applicable. Functional consequence: retained intron. Not counted in ClinVar's aggregate classification.

Dr. Peter K. Rogan Lab, Western University
No classification provided (evidence only). Condition: Uterine carcinosarcoma. Review status: no classification provided. Collection method: in vitro. Allele origin: not applicable. Functional consequence: retained intron. Not counted in ClinVar's aggregate classification.

Dr. Peter K. Rogan Lab, Western University
No classification provided (evidence only). Condition: Uterine carcinosarcoma. Review status: no classification provided. Collection method: in vitro. Allele origin: not applicable. Functional consequence: retained intron. Not counted in ClinVar's aggregate classification.

Dr. Peter K. Rogan Lab, Western University
No classification provided (evidence only). Condition: Familial pancreatic carcinoma. Review status: no classification provided. Collection method: in vitro. Allele origin: not applicable. Functional consequence: retained intron. Not counted in ClinVar's aggregate classification.

Dr. Peter K. Rogan Lab, Western University
No classification provided (evidence only). Condition: Familial pancreatic carcinoma. Review status: no classification provided. Collection method: in vitro. Allele origin: not applicable. Functional consequence: retained intron. Not counted in ClinVar's aggregate classification.

Dr. Peter K. Rogan Lab, Western University
No classification provided (evidence only). Condition: Ovarian cancer. Review status: no classification provided. Collection method: in vitro. Allele origin: not applicable. Functional consequence: retained intron. Not counted in ClinVar's aggregate classification.

Dr. Peter K. Rogan Lab, Western University
No classification provided (evidence only). Condition: Ovarian cancer. Review status: no classification provided. Collection method: in vitro. Allele origin: not applicable. Functional consequence: retained intron. Not counted in ClinVar's aggregate classification.

Literature cited by the submitters: PubMed 15780079 (cited by Athena Diagnostics); PubMed 21505094 (cited by Athena Diagnostics); PubMed 14993485 (cited by Athena Diagnostics); PubMed 10094548 (cited by Athena Diagnostics); PubMed 10561141 (cited by Athena Diagnostics); PubMed 11223851 (cited by Athena Diagnostics); PubMed 8648925 (cited by Athena Diagnostics); PubMed 8940267 (cited by Athena Diagnostics).